The following is an entry in ClinVar:

NM_001042492.3(NF1):c.6643-19A>C

Gene: NF1 (neurofibromin 1; plus strand). Cytogenetic location: 17q11.2.
Variant type: single nucleotide variant.
Coding change: c.6643-19A>C on transcript NM_001042492.3 (MANE Select); 19 bases into the intron before coding-DNA position 6643, A replaced by C.
Molecular consequence: intron variant.
Genome position (GRCh38, 1-based): chr17:31,337,800, A>C. VCF-style: chr17-31337800-A-C. GRCh37 (hg19) VCF-style: chr17-29664818-A-C.
Other names: c.6580-19A>C (NM_000267.4).
Identifiers: ClinVar variation 1649492 (VCV001649492.9), dbSNP rs544476647, ClinGen allele CA2573153847.
Genomic context (GRCh38, chr17:31,337,800, plus strand): 5'-TGACATCATAATAAACATTATTTAAACAGTTCTAAAAACATTTATGTACAATATGTATTC[A>C]GAGTATCCCCTTTTTTAGGCATGCATGAGAGATATTCCAACGTGCAAGTGGCTGGACCAG-3'

ClinVar aggregate classification (germline): Likely benign. Review status: criteria provided, multiple submitters, no conflicts (2 of 4 stars). 2 submissions from 2 submitters: Likely benign (2). Last evaluated 2026-09-22.

Conditions:
Neurofibromatosis, type 1 (NF1). Also called: NEUROFIBROMATOSIS, TYPE I, SOMATIC; Neurofibromatosis, type I; VON RECKLINGHAUSEN DISEASE; Peripheral type neurofibromatosis. Identifiers: Orphanet 636, MedGen C0027831, MONDO:0018975, OMIM 162200. Disease mechanism: loss of function.

gnomAD v4.1: 1 of 1,612,256 alleles (0.000062%); highest among the groups gnomAD compares: Non-Finnish European, 0.000085%; no homozygotes.

Submissions (2):

Myriad Genetics, Inc.
Classification: Likely benign for Neurofibromatosis, type 1. Last evaluated: 2026-09-22. Review status: criteria provided, single submitter. Criteria: Myriad Autosomal Dominant, Autosomal Recessive and X-Linked Classification Criteria (2023). Collection method: clinical testing. Allele origin: unknown.
Comment: This variant is considered likely benign. This variant is intronic and is not expected to impact mRNA splicing.

Labcorp Genetics (formerly Invitae), Labcorp
Classification: Likely benign for Neurofibromatosis, type 1. Last evaluated: 2025-01-11. Review status: criteria provided, single submitter. Criteria: Invitae Variant Classification Sherloc (09022015). Collection method: clinical testing. Allele origin: germline.